The following is an entry in ClinVar:

NM_006231.4(POLE):c.2768C>G (p.Thr923Ser)

Gene: POLE (DNA polymerase epsilon, catalytic subunit; minus strand). Cytogenetic location: 12q24.33.
Variant type: single nucleotide variant.
Coding change: c.2768C>G on transcript NM_006231.4 (MANE Select); coding-DNA position 2768, C replaced by G.
Protein change: p.Thr923Ser; replaces threonine 923 with serine.
Molecular consequence: missense variant.
Genome position (GRCh38, 1-based): chr12:132,661,623, G>C on the plus strand (C>G on the coding strand, the complement: POLE is on the minus strand). VCF-style: chr12-132661623-G-C. GRCh37 (hg19) VCF-style: chr12-133238209-G-C.
Other names: short protein forms T923S.
Identifiers: ClinVar variation 1795760 (VCV001795760.2), dbSNP rs2135949046, ClinGen allele CA387393868.

ClinVar aggregate classification (germline): Uncertain significance (1 of 4 stars; one submission).

Conditions:
Hereditary cancer-predisposing syndrome. Also called: Tumor predisposition; Hereditary Cancer Syndrome; Neoplastic Syndromes, Hereditary; Hereditary neoplastic syndrome. Identifiers: Orphanet 140162, MedGen C0027672, MeSH D009386, MONDO:0015356.

Submission:

Ambry Genetics
Classification: Uncertain significance for Hereditary cancer-predisposing syndrome. Last evaluated: 2021-10-07. Review status: criteria provided, single submitter. Criteria: Ambry Variant Classification Scheme 2023. Collection method: clinical testing. Allele origin: germline.
Comment: The p.T923S variant (also known as c.2768C>G), located in coding exon 24 of the POLE gene, results from a C to G substitution at nucleotide position 2768. The threonine at codon 923 is replaced by serine, an amino acid with similar properties. This amino acid position is conserved. In addition, this alteration is predicted to be tolerated by in silico analysis. Since supporting evidence is limited at this time, the clinical significance of this alteration remains unclear.